The following is an entry in ClinVar:

ClinVar aggregate classification (germline): Uncertain significance (1 of 4 stars; one submission).

Conditions:
Neuronal ceroid lipofuscinosis. Also called: Neuronal Ceroid Lipofuscinoses. Identifiers: Orphanet 216, Orphanet 79263, MedGen C0027877, MONDO:0016295. Disease mechanism: loss of function.

gnomAD v4.1: 1 of 1,611,524 alleles (0.000062%); highest among the groups gnomAD compares: Non-Finnish European, 0.000085%; no homozygotes.

Submission:

Labcorp Genetics (formerly Invitae), Labcorp
Classification: Uncertain significance for Neuronal ceroid lipofuscinosis. Last evaluated: 2022-08-05. Review status: criteria provided, single submitter. Criteria: Invitae Variant Classification Sherloc (09022015). Collection method: clinical testing. Allele origin: germline.
Comment: In summary, the available evidence is currently insufficient to determine the role of this variant in disease. Therefore, it has been classified as a Variant of Uncertain Significance. Algorithms developed to predict the effect of sequence changes on RNA splicing suggest that this variant may create or strengthen a splice site. This variant has not been reported in the literature in individuals affected with CTSD-related conditions. This variant is not present in population databases (gnomAD no frequency). This sequence change affects codon 302 of the CTSD mRNA. It is a 'silent' change, meaning that it does not change the encoded amino acid sequence of the CTSD protein.

NM_001909.5(CTSD):c.906G>A (p.Val302=)

Gene: CTSD (cathepsin D; minus strand). Cytogenetic location: 11p15.5.
Variant type: single nucleotide variant.
Coding change: c.906G>A on transcript NM_001909.5 (MANE Select); coding-DNA position 906, G replaced by A.
Protein change: p.Val302=; no amino-acid change (valine 302 retained).
Molecular consequence: synonymous variant.
Genome position (GRCh38, 1-based): chr11:1,754,060, C>T on the plus strand (G>A on the coding strand, the complement: CTSD is on the minus strand). VCF-style: chr11-1754060-C-T. GRCh37 (hg19) VCF-style: chr11-1775290-C-T.
Identifiers: ClinVar variation 2021854 (VCV002021854.4), dbSNP rs1590904028, ClinGen allele CA472140974.
Genomic context (GRCh38, chr11:1,754,060, plus strand): 5'-CTGAATCAGCGGCACGGCCCCGATGGCCTTCTGCAGCTCGCGCACCTCATCCACCGGGCC[C>T]ACCATGAGGGAAGTGCCTGTGTCCACAATGGCCTCACAGCCCTCCTTGCACAGGGTCAGC-3'
Protein context (NP_001900.1, residues 292-312): AIVDTGTSLM[Val302=]GPVDEVRELQ